The following is an entry in ClinVar:

ClinVar aggregate classification (germline): Pathogenic (1 of 4 stars; one submission).

Conditions:
Hereditary cancer-predisposing syndrome. Also called: Neoplastic Syndromes, Hereditary; Tumor predisposition; Hereditary neoplastic syndrome; Hereditary Cancer Syndrome. Identifiers: Orphanet 140162, MedGen C0027672, MeSH D009386, MONDO:0015356.

Submission:

Ambry Genetics
Classification: Pathogenic for Hereditary cancer-predisposing syndrome. Last evaluated: 2022-11-15. Review status: criteria provided, single submitter. Criteria: Ambry Variant Classification Scheme 2023. Collection method: clinical testing. Allele origin: germline.
Comment: The c.2587delG variant, located in coding exon 4 of the MSH6 gene, results from a deletion of one nucleotide at nucleotide position 2587, causing a translational frameshift with a predicted alternate stop codon (p.E863Kfs*5). This variant is considered to be rare based on population cohorts in the Genome Aggregation Database (gnomAD). This alteration is expected to result in loss of function by premature protein truncation or nonsense-mediated mRNA decay. As such, this alteration is interpreted as a disease-causing mutation.

NM_000179.3(MSH6):c.2587del (p.Glu863fs)

Gene: MSH6 (mutS homolog 6; plus strand). Cytogenetic location: 2p16.3.
Variant type: Deletion.
Coding change: c.2587del on transcript NM_000179.3 (MANE Select); coding-DNA position 2587, one base deleted (G; older notation c.2587delG).
Protein change: p.Glu863fs; shifts the reading frame from glutamic acid 863.
Molecular consequence: frameshift variant. On other transcripts: non-coding transcript variant (5), intron variant (3).
Genome position (GRCh38, 1-based): chr2:47,800,570, G deleted; the last of 2 consecutive G bases (chr2:47,800,569-47,800,570); deleting either gives the same sequence. VCF-style (leftmost placement, unchanged base first): chr2-47800568-TG-T. GRCh37 (hg19) VCF-style: chr2-48027707-TG-T.
Other names: c.2197del, p.Glu733fs (NM_001281492.2); c.1681del, p.Glu561fs (NM_001281493.2, NM_001281494.2, NM_001406811.1 and 6 more transcripts); c.2683del, p.Glu895fs (NM_001406795.1, NM_001406802.1); c.2587del, p.Glu863fs (NM_001406796.1, NM_001406798.1, NM_001406800.1 and 2 more transcripts); c.2290del, p.Glu764fs (NM_001406797.1, NM_001406801.1, NM_001406805.1 and 10 more transcripts); c.2062del, p.Glu688fs (NM_001406799.1, NM_001406806.1, NM_001406807.1); c.2509del, p.Glu837fs (NM_001406804.1); c.2593del, p.Glu865fs (NM_001406813.1); and 4 more; short protein forms E733fs, E807fs, E837fs, E688fs, E764fs, E863fs, E895fs, E561fs.
Identifiers: ClinVar variation 2453151 (VCV002453151.2), dbSNP rs2530681385, ClinGen allele CA2580067954.